The following is an entry in ClinVar:

NM_031935.3(HMCN1):c.15392C>G (p.Ser5131Cys)

Gene: HMCN1 (hemicentin 1; plus strand). Cytogenetic location: 1q31.1.
Variant type: single nucleotide variant.
Coding change: c.15392C>G on transcript NM_031935.3 (MANE Select); coding-DNA position 15392, C replaced by G.
Protein change: p.Ser5131Cys; replaces serine 5131 with cysteine.
Molecular consequence: missense variant.
Genome position (GRCh38, 1-based): chr1:186,166,256, C>G. VCF-style: chr1-186166256-C-G. GRCh37 (hg19) VCF-style: chr1-186135388-C-G.
Other names: short protein forms S5131C.
Identifiers: ClinVar variation 4806412 (VCV004806412.1).

ClinVar aggregate classification (germline): Uncertain significance (1 of 4 stars; one submission).

Submission:

Labcorp Genetics (formerly Invitae), Labcorp
Classification: Uncertain significance. Last evaluated: 2025-09-10. Review status: criteria provided, single submitter. Criteria: Invitae Variant Classification Sherloc (09022015). Collection method: clinical testing. Allele origin: germline.
Comment: This sequence change replaces serine, which is neutral and polar, with cysteine, which is neutral and slightly polar, at codon 5131 of the HMCN1 protein (p.Ser5131Cys). This variant is present in population databases (rs752718264, gnomAD 0.003%). This variant has not been reported in the literature in individuals affected with HMCN1-related conditions. An algorithm developed to predict the effect of missense changes on protein structure and function (PolyPhen-2) suggests that this variant is likely to be tolerated. In summary, the available evidence is currently insufficient to determine the role of this variant in disease. Therefore, it has been classified as a Variant of Uncertain Significance.